The following is an entry in ClinVar:

NC_000020.10:g.(?_62055510)_(62073904_?)dup

Gene: KCNQ2 (potassium voltage-gated channel subfamily Q member 2; minus strand). Cytogenetic location: 20q13.33.
Variant type: Duplication.
Identifiers: ClinVar variation 3248251 (VCV003248251.1).

ClinVar aggregate classification (germline): Likely pathogenic (1 of 4 stars; one submission).

Conditions:
Developmental and epileptic encephalopathy. Identifiers: MedGen C5779964, MONDO:0100620.

Submission:

Labcorp Genetics (formerly Invitae), Labcorp
Classification: Likely pathogenic for Early-infantile DEE. Last evaluated: 2023-04-28. Review status: criteria provided, single submitter. Criteria: Invitae Variant Classification Sherloc (09022015). Collection method: clinical testing. Allele origin: unknown.
Comment: In summary, the currently available evidence indicates that the variant is pathogenic, but additional data are needed to prove that conclusively. Therefore, this variant has been classified as Likely Pathogenic. This variant has not been reported in the literature in individuals affected with KCNQ2-related conditions. This variant results in a copy number gain of the genomic region encompassing exon(s) 5-11 of the KCNQ2 gene. While the exact position of this variant cannot be determined from the data, sub-genic copy number gains are generally in tandem (PMID: 25640679). This variant is predicted to be out-of-frame, and may result in an absent or disrupted protein product. Loss-of-function variants in KCNQ2 are known to be pathogenic (PMID: 14534157, 23692823, 27779742).

Literature cited by the submitters: PubMed 25640679; PubMed 14534157; PubMed 23692823; PubMed 27779742.